The following is an entry in ClinVar:

ClinVar aggregate classification (germline): Pathogenic. Review status: criteria provided, multiple submitters, no conflicts (2 of 4 stars). 3 submissions from 3 submitters: Pathogenic (3). Last evaluated 2025-09-27.

Conditions:
Retinoblastoma (RB1). Also called: RETINOBLASTOMA, SOMATIC. Identifiers: Orphanet 790, MedGen C0035335, MeSH D012175, MONDO:0008380, OMIM 180200, HP:0009919. Disease mechanism: loss of function. Inheritance: Both sporadic and heritable forms are tested..

Submissions (3):

Labcorp Genetics (formerly Invitae), Labcorp
Classification: Pathogenic for Retinoblastoma. Last evaluated: 2025-09-27. Review status: criteria provided, single submitter. Criteria: Invitae Variant Classification Sherloc (09022015). Collection method: clinical testing. Allele origin: germline.
Comment: This sequence change affects a donor splice site in intron 6 of the RB1 gene. It is expected to disrupt RNA splicing. Variants that disrupt the donor or acceptor splice site typically lead to a loss of protein function (PMID: 16199547), and loss-of-function variants in RB1 are known to be pathogenic (PMID: 17096365). This variant is not present in population databases (gnomAD no frequency). Disruption of this splice site has been observed in individual(s) with retinoblastoma (PMID: 8651278). ClinVar contains an entry for this variant (Variation ID: 3237140). Algorithms developed to predict the effect of sequence changes on RNA splicing suggest that this variant may disrupt the consensus splice site. For these reasons, this variant has been classified as Pathogenic.

St. Jude Molecular Pathology, St. Jude Children's Research Hospital
Classification: Pathogenic for Retinoblastoma. Last evaluated: 2025-02-05. Review status: criteria provided, single submitter. Criteria: St. Jude Assertion Criteria 2020. Collection method: clinical testing. Allele origin: germline.
Comment: The RB1 c.607+2T>G intronic change results in a T to G substitution at the +2 position of intron 6 of the RB1 gene. This variant is predicted to result in loss of the native splice donor site and skipping of exon 6, resulting in nonsense-mediated decay or an abnormal protein product. RNA studies support that this variant results in skipping of exon 6 (PMID: 18000883). This variant has been reported in individuals with retinoblastoma (PMID: 11317357, 19280657, internal data) and was observed in a mosaic state in an unaffected parent (PMID: 19280657). This variant is also absent in gnomAD v2.1.1. In summary, this variant meets criteria to be classified as pathogenic.

Genetic Diagnostic Laboratory, University of Pennsylvania School of Medicine
Classification: Pathogenic for Retinoblastoma. Last evaluated: 2024-05-20. Review status: criteria provided, single submitter. Criteria: ACMG Guidelines, 2015. Collection method: clinical testing. Allele origin: germline. Affected: yes. Observed: 1 variant allele.
Comment: Case and Pedigree Information: BILATERAL CASES:0, UNILATERAL CASES:1, TOTAL CASES:1, PEDIGREES:1. ACMG Codes Applied:PVS1, PM2

Literature cited by the submitters: PubMed 16199547 (cited by Labcorp Genetics (formerly Invitae), Labcorp); PubMed 17096365 (cited by Labcorp Genetics (formerly Invitae), Labcorp); PubMed 8651278 (cited by Labcorp Genetics (formerly Invitae), Labcorp).

NM_000321.3(RB1):c.607+2T>G

Gene: RB1 (RB transcriptional corepressor 1; plus strand). Cytogenetic location: 13q14.2.
Variant type: single nucleotide variant.
Coding change: c.607+2T>G on transcript NM_000321.3 (MANE Select); the canonical splice donor site of the intron after coding-DNA position 607, T replaced by G.
Molecular consequence: splice donor variant.
Genome position (GRCh38, 1-based): chr13:48,349,025, T>G. VCF-style: chr13-48349025-T-G. GRCh37 (hg19) VCF-style: chr13-48923161-T-G.
Other names: c.607+2T>G (NM_001407165.1, NM_001407166.1, NM_000321.2).
Identifiers: ClinVar variation 3237140 (VCV003237140.3), dbSNP rs2138093789.